The following is an entry in ClinVar:

NM_001283009.2(RTEL1):c.1559C>T (p.Pro520Leu)

Genes: RTEL1 (regulator of telomere elongation helicase 1; plus strand), RTEL1-TNFRSF6B (RTEL1-TNFRSF6B readthrough (NMD candidate); plus strand). Cytogenetic location: 20q13.33.
Variant type: single nucleotide variant.
Coding change: c.1559C>T on transcript NM_001283009.2 (MANE Select); coding-DNA position 1559, C replaced by T.
Protein change: p.Pro520Leu; replaces proline 520 with leucine.
Molecular consequence: missense variant. On other transcripts: non-coding transcript variant (1).
Genome position (GRCh38, 1-based): chr20:63,688,014, C>T. VCF-style: chr20-63688014-C-T. GRCh37 (hg19) VCF-style: chr20-62319367-C-T.
Other names: c.890C>T, p.Pro297Leu (NM_001283010.1); c.1559C>T, p.Pro520Leu (NM_016434.4); c.1631C>T, p.Pro544Leu (NM_032957.5); short protein forms P297L, P520L, P544L.
Identifiers: ClinVar variation 4863590 (VCV004863590.1).
Genomic context (GRCh38, chr20:63,688,014, plus strand): 5'-TGGAGAACCCACACATCATCGACAAGCACCAGATCTGGGTGGGGGTCGTCCCCAGAGGCC[C>T]CGATGGAGCCCAGTTGAGCTCCGCGTTTGACAGACGGTGAGGGCCTGTCCCTGGGCCCTG-3'
Protein context (NP_001269938.1, residues 510-530): QIWVGVVPRG[Pro520Leu]DGAQLSSAFD

ClinVar aggregate classification (germline): Uncertain significance (1 of 4 stars; one submission).

Conditions:
Inborn genetic diseases. Identifiers: MedGen C0950123, MeSH D030342.

Submission:

Ambry Genetics
Classification: Uncertain significance for Inborn genetic diseases. Last evaluated: 2026-05-14. Review status: criteria provided, single submitter. Criteria: Ambry Variant Classification Scheme 2023. Collection method: clinical testing. Allele origin: germline.
Comment: The p.P520L variant (also known as c.1559C>T), located in coding exon 17 of the RTEL1 gene, results from a C to T substitution at nucleotide position 1559. The proline at codon 520 is replaced by leucine, an amino acid with similar properties. This amino acid position is conserved. In addition, the in silico prediction for this alteration is inconclusive. Based on the available evidence, the clinical significance of this variant remains unclear.